The following is an entry in ClinVar:

ClinVar aggregate classification (germline): Uncertain significance (1 of 4 stars; one submission).

Submission:

GeneDx
Classification: Uncertain significance. Last evaluated: 2024-09-11. Review status: criteria provided, single submitter. Criteria: GeneDx Variant Classification Process June 2021. Collection method: clinical testing. Allele origin: germline. Affected: yes.
Comment: Not observed at significant frequency in large population cohorts (gnomAD); In silico analysis indicates that this missense variant does not alter protein structure/function; Has not been previously published as pathogenic or benign to our knowledge

NM_019066.5(MAGEL2):c.1072C>T (p.Pro358Ser)

Gene: MAGEL2 (MAGE family member L2; minus strand). Cytogenetic location: 15q11.2.
Variant type: single nucleotide variant.
Coding change: c.1072C>T on transcript NM_019066.5 (MANE Select); coding-DNA position 1072, C replaced by T.
Protein change: p.Pro358Ser; replaces proline 358 with serine.
Molecular consequence: missense variant.
Genome position (GRCh38, 1-based): chr15:23,646,671, G>A on the plus strand (C>T on the coding strand, the complement: MAGEL2 is on the minus strand). VCF-style: chr15-23646671-G-A. GRCh37 (hg19) VCF-style: chr15-23891818-G-A.
Other names: short protein forms P358S.
Identifiers: ClinVar variation 3770060 (VCV003770060.1).